The following is an entry in ClinVar:

ClinVar aggregate classification (germline): Uncertain significance (1 of 4 stars; one submission).

Allele frequency attached by ClinVar (database versions not stated): gnomAD exomes below 0.00001.
gnomAD v4.1: 2 of 1,591,704 alleles (0.00013%); highest among the groups gnomAD compares: Non-Finnish European, 0.00017%; no homozygotes.

Submission:

Ambry Genetics
Classification: Uncertain significance. Last evaluated: 2023-04-03. Review status: criteria provided, single submitter. Criteria: Ambry Variant Classification Scheme 2023. Collection method: clinical testing. Allele origin: germline.
Comment: The p.I586M variant (also known as c.1758T>G), located in coding exon 13 of the RECQL gene, results from a T to G substitution at nucleotide position 1758. The isoleucine at codon 586 is replaced by methionine, an amino acid with highly similar properties. This amino acid position is conserved. In addition, this alteration is predicted to be tolerated by in silico analysis. Since supporting evidence is limited at this time, the clinical significance of this alteration remains unclear.

NM_002907.4(RECQL):c.1758T>G (p.Ile586Met)

Genes: PYROXD1 (pyridine nucleotide-disulphide oxidoreductase domain 1; plus strand), RECQL (RecQ like helicase; minus strand). Cytogenetic location: 12p12.1.
Variant type: single nucleotide variant.
Coding change: c.1758T>G on transcript NM_002907.4 (MANE Select); coding-DNA position 1758, T replaced by G.
Protein change: p.Ile586Met; replaces isoleucine 586 with methionine.
Molecular consequence: missense variant. On other transcripts: 3 prime UTR variant (3).
Genome position (GRCh38, 1-based): chr12:21,471,008, A>C on the plus strand (T>G on the coding strand, the complement: RECQL is on the minus strand). VCF-style: chr12-21471008-A-C. GRCh37 (hg19) VCF-style: chr12-21623942-A-C.
Other names: c.1758T>G, p.Ile586Met (NM_032941.3); c.*2254A>C (NM_001350912.2, NM_001350913.2, NM_024854.5); short protein forms I586M.
Identifiers: ClinVar variation 2565569 (VCV002565569.2), dbSNP rs2540313512, ClinGen allele CA384114466.